The following is an entry in ClinVar:

ClinVar aggregate classification (germline): Uncertain significance (1 of 4 stars; one submission).

Conditions:
Peutz-Jeghers syndrome (PJS). Also called: POLYPOSIS, HAMARTOMATOUS INTESTINAL; POLYPS-AND-SPOTS SYNDROME; Peutz-Jeghers polyposis; Periorificial lentiginosis syndrome. Identifiers: Orphanet 2869, MedGen C0031269, MeSH D010580, MONDO:0008280, OMIM 175200.

Allele frequency attached by ClinVar (database versions not stated): TOPMed below 0.00001; gnomAD 0.00001.

Submission:

Labcorp Genetics (formerly Invitae), Labcorp
Classification: Uncertain significance for Peutz-Jeghers syndrome. Last evaluated: 2021-05-02. Review status: criteria provided, single submitter. Criteria: Invitae Variant Classification Sherloc (09022015). Collection method: clinical testing. Allele origin: germline.
Comment: In summary, the available evidence is currently insufficient to determine the role of this variant in disease. Therefore, it has been classified as a Variant of Uncertain Significance. Advanced modeling of protein sequence and biophysical properties (such as structural, functional, and spatial information, amino acid conservation, physicochemical variation, residue mobility, and thermodynamic stability) performed at Invitae indicates that this missense variant is expected to disrupt STK11 protein function. This variant has not been reported in the literature in individuals with STK11-related conditions. This variant is not present in population databases (ExAC no frequency). This sequence change replaces methionine with isoleucine at codon 139 of the STK11 protein (p.Met139Ile). The methionine residue is highly conserved and there is a small physicochemical difference between methionine and isoleucine.

NM_000455.5(STK11):c.417G>A (p.Met139Ile)

Gene: STK11 (serine/threonine kinase 11; plus strand). Cytogenetic location: 19p13.3.
Variant type: single nucleotide variant.
Coding change: c.417G>A on transcript NM_000455.5 (MANE Select); coding-DNA position 417, G replaced by A.
Protein change: p.Met139Ile; replaces methionine 139 with isoleucine.
Molecular consequence: missense variant.
Genome position (GRCh38, 1-based): chr19:1,219,366, G>A. VCF-style: chr19-1219366-G-A. GRCh37 (hg19) VCF-style: chr19-1219365-G-A.
Other names: short protein forms M139I.
Identifiers: ClinVar variation 1447985 (VCV001447985.8), dbSNP rs1284294073, ClinGen allele CA402948239.